The following is an entry in ClinVar:

NM_015267.4(CUX2):c.904G>A (p.Ala302Thr)

Gene: CUX2 (cut like homeobox 2; plus strand). Cytogenetic location: 12q24.12.
Variant type: single nucleotide variant.
Coding change: c.904G>A on transcript NM_015267.4 (MANE Select); coding-DNA position 904, G replaced by A.
Protein change: p.Ala302Thr; replaces alanine 302 with threonine.
Molecular consequence: missense variant.
Genome position (GRCh38, 1-based): chr12:111,306,966, G>A. VCF-style: chr12-111306966-G-A. GRCh37 (hg19) VCF-style: chr12-111744770-G-A.
Other names: c.718G>A, p.Ala240Thr (NM_001370598.1); short protein forms A240T, A302T.
Identifiers: ClinVar variation 4533990 (VCV004533990.6).
Genomic context (GRCh38, chr12:111,306,966, plus strand): 5'-CCCCTTTGCCTGCAGGATAAGGTGAACTTCACTCTGTGCTCGGGCCCTCGGCTGGAGGCC[G>A]CGCTGGCCTCCAAGGACAGGGAGATCCTGCGGCTGCTGAAGGACGTGCAGCACCTCCAGA-3'
Protein context (NP_056082.2, residues 292-312): TLCSGPRLEA[Ala302Thr]LASKDREILR

ClinVar aggregate classification (germline): Likely benign (1 of 4 stars; one submission).

gnomAD v4.1: 54 of 1,613,302 alleles (0.0033%); highest among the groups gnomAD compares: African/African-American, 0.029%; no homozygotes.

Submission:

CeGaT Center for Human Genetics Tuebingen
Classification: Likely benign. Last evaluated: 2025-11-01. Review status: criteria provided, single submitter. Criteria: CeGaT Center For Human Genetics Tuebingen Variant Classification Criteria Version 2. Collection method: clinical testing. Allele origin: germline. Affected: yes. Observed: 1 variant allele.
Comment: CUX2: BP4